The following is an entry in ClinVar:

ClinVar aggregate classification (germline): Likely benign (1 of 4 stars; one submission).

Allele frequency attached by ClinVar (database versions not stated): TOPMed 0.00015; 1000 Genomes Project 0.00020; gnomAD 0.00021; ExAC 0.00022; ESP Exome Variant Server 0.00023; gnomAD exomes 0.00030; 1000 Genomes Project 30x 0.00031.
gnomAD v4.1: 460 of 1,608,186 alleles (0.029%); highest among the groups gnomAD compares: Non-Finnish European, 0.032%; no homozygotes.

Submission:

CeGaT Center for Human Genetics Tuebingen
Classification: Likely benign. Last evaluated: 2023-02-01. Review status: criteria provided, single submitter. Criteria: CeGaT Center For Human Genetics Tuebingen Variant Classification Criteria Version 2. Collection method: clinical testing. Allele origin: germline. Affected: yes. Observed: 1 variant allele.
Comment: CFAP74: BP4, BP7

NM_001304360.2(CFAP74):c.4809G>A (p.Ala1603=)

Gene: CFAP74 (cilia and flagella associated protein 74; minus strand). Cytogenetic location: 1p36.33.
Variant type: single nucleotide variant.
Coding change: c.4809G>A on transcript NM_001304360.2 (MANE Select); coding-DNA position 4809, G replaced by A.
Protein change: p.Ala1603=; no amino-acid change (alanine 1603 retained).
Molecular consequence: synonymous variant.
Genome position (GRCh38, 1-based): chr1:1,922,598, C>T on the plus strand (G>A on the coding strand, the complement: CFAP74 is on the minus strand). VCF-style: chr1-1922598-C-T. GRCh37 (hg19) VCF-style: chr1-1854037-C-T.
Identifiers: ClinVar variation 2638065 (VCV002638065.24), dbSNP rs143449363, ClinGen allele CA532729.
Genomic context (GRCh38, chr1:1,922,598, plus strand): 5'-CAGCCTTTGGCGTTCCCAGGGCTCCCTGGCCTGGAGCCCAAAGGCACCTACATCAAAGTC[C>T]GCAGGTGGCACCCAGGAGATGCTGATGGTCTTCGTCTGGCCGCGCTCCACGGAGCCCCTG-3'
Protein context (NP_001291289.1, residues 1593-1613): KTISISWVPP[Ala1603=]DFDPDHPLMV